The following is an entry in ClinVar:

NM_001943.5(DSG2):c.2908C>G (p.Pro970Ala)

Genes: DSG2 (desmoglein 2; plus strand), DSG2-AS1 (DSG2 antisense RNA 1; minus strand). Cytogenetic location: 18q12.1.
Variant type: single nucleotide variant.
Coding change: c.2908C>G on transcript NM_001943.5 (MANE Select); coding-DNA position 2908, C replaced by G.
Protein change: p.Pro970Ala; replaces proline 970 with alanine.
Molecular consequence: missense variant.
Genome position (GRCh38, 1-based): chr18:31,546,294, C>G. VCF-style: chr18-31546294-C-G. GRCh37 (hg19) VCF-style: chr18-29126257-C-G.
Other names: short protein forms P970A.
Identifiers: ClinVar variation 2865546 (VCV002865546.3), dbSNP rs758058872, ClinGen allele CA402147326.

ClinVar aggregate classification (germline): Uncertain significance (1 of 4 stars; one submission).

Conditions:
Arrhythmogenic right ventricular dysplasia 10. Also called: Arrhythmogenic Right Ventricular Dysplasia/Cardiomyopathy10; ARRHYTHMOGENIC RIGHT VENTRICULAR DYSPLASIA, FAMILIAL, 10; Arrhythmogenic right ventricular dysplasia/cardiomyopathy, type 10. Identifiers: MedGen C1857777, MONDO:0012434, OMIM 610193.

Submission:

Labcorp Genetics (formerly Invitae), Labcorp
Classification: Uncertain significance for Arrhythmogenic right ventricular dysplasia 10. Last evaluated: 2024-01-12. Review status: criteria provided, single submitter. Criteria: Invitae Variant Classification Sherloc (09022015). Collection method: clinical testing. Allele origin: germline.
Comment: This sequence change replaces proline, which is neutral and non-polar, with alanine, which is neutral and non-polar, at codon 970 of the DSG2 protein (p.Pro970Ala). This variant is not present in population databases (gnomAD no frequency). This variant has not been reported in the literature in individuals affected with DSG2-related conditions. Advanced modeling of protein sequence and biophysical properties (such as structural, functional, and spatial information, amino acid conservation, physicochemical variation, residue mobility, and thermodynamic stability) performed at Invitae indicates that this missense variant is not expected to disrupt DSG2 protein function with a negative predictive value of 95%. In summary, the available evidence is currently insufficient to determine the role of this variant in disease. Therefore, it has been classified as a Variant of Uncertain Significance.